The following is an entry in ClinVar:

ClinVar aggregate classification (germline): Uncertain significance (1 of 4 stars; one submission).

Conditions:
DICER1-related tumor predisposition. Also called: DICER1 syndrome; DICER1-related pleuropulmonary blastoma cancer predisposition syndrome. Identifiers: Orphanet 284343, MedGen C3839822, MONDO:0100216.

Submission:

Labcorp Genetics (formerly Invitae), Labcorp
Classification: Uncertain significance for DICER1-related tumor predisposition. Last evaluated: 2022-10-13. Review status: criteria provided, single submitter. Criteria: Invitae Variant Classification Sherloc (09022015). Collection method: clinical testing. Allele origin: germline.
Comment: This sequence change replaces glutamic acid, which is acidic and polar, with alanine, which is neutral and non-polar, at codon 1159 of the DICER1 protein (p.Glu1159Ala). This variant is not present in population databases (gnomAD no frequency). This variant has not been reported in the literature in individuals affected with DICER1-related conditions. ClinVar contains an entry for this variant (Variation ID: 963556). Advanced modeling of protein sequence and biophysical properties (such as structural, functional, and spatial information, amino acid conservation, physicochemical variation, residue mobility, and thermodynamic stability) performed at Invitae indicates that this missense variant is not expected to disrupt DICER1 protein function. In summary, the available evidence is currently insufficient to determine the role of this variant in disease. Therefore, it has been classified as a Variant of Uncertain Significance.

NM_177438.3(DICER1):c.3476A>C (p.Glu1159Ala)

Gene: DICER1 (dicer 1, ribonuclease III; minus strand). Cytogenetic location: 14q32.13.
Variant type: single nucleotide variant.
Coding change: c.3476A>C on transcript NM_177438.3 (MANE Select); coding-DNA position 3476, A replaced by C.
Protein change: p.Glu1159Ala; replaces glutamic acid 1159 with alanine.
Molecular consequence: missense variant.
Genome position (GRCh38, 1-based): chr14:95,103,920, T>G on the plus strand (A>C on the coding strand, the complement: DICER1 is on the minus strand). VCF-style: chr14-95103920-T-G. GRCh37 (hg19) VCF-style: chr14-95570257-T-G.
Other names: c.3476A>C, p.Glu1159Ala (NM_001195573.1, NM_001271282.3, NM_001291628.2 and 1 more transcripts); short protein forms E1159A.
Identifiers: ClinVar variation 963556 (VCV000963556.11), dbSNP rs1891158824, ClinGen allele CA390875268.